The following is an entry in ClinVar:

NM_138694.4(PKHD1):c.2275G>A (p.Ala759Thr)

Gene: PKHD1 (PKHD1 ciliary IPT domain containing fibrocystin/polyductin; minus strand). Cytogenetic location: 6p12.2.
Variant type: single nucleotide variant.
Coding change: c.2275G>A on transcript NM_138694.4 (MANE Select); coding-DNA position 2275, G replaced by A.
Protein change: p.Ala759Thr; replaces alanine 759 with threonine.
Molecular consequence: missense variant.
Genome position (GRCh38, 1-based): chr6:52,050,161, C>T on the plus strand (G>A on the coding strand, the complement: PKHD1 is on the minus strand). VCF-style: chr6-52050161-C-T. GRCh37 (hg19) VCF-style: chr6-51914959-C-T.
Other names: c.2275G>A, p.Ala759Thr (NM_170724.3); c.2275G>A (NM_138694.3); short protein forms A759T.
Identifiers: ClinVar variation 1601843 (VCV001601843.10), dbSNP rs550730673, ClinGen allele CA3853287.
Genomic context (GRCh38, chr6:52,050,161, plus strand): 5'-CAAGGCCAACAAGCATTCTTAGGAGAAGGGACAGGTGTAAAAAAGCCACTCCTTACCGTG[C>T]AGTGATGAGCGGGAGCTCCGTGCCACACCCCGCCAGCCAGGAGGTGACACTGTAGACCGG-3'
Protein context (NP_619639.3, residues 749-769): GCGTELPLIT[Ala759Thr]RSVPTEGTEE

ClinVar aggregate classification (germline): Conflicting classifications of pathogenicity. Review status: criteria provided, conflicting classifications (1 of 4 stars). 3 submissions from 3 submitters: Uncertain significance (2); Likely benign (1). Last evaluated 2026-01-25.

Conditions:
Polycystic kidney disease 4 (PKD4). Also called: Autosomal Recessive Polycystic Kidney Disease – PKHD1; POLYCYSTIC KIDNEY AND HEPATIC DISEASE 1; POLYCYSTIC KIDNEY DISEASE, INFANTILE, TYPE I; POLYCYSTIC KIDNEY DISEASE 4 WITH OR WITHOUT POLYCYSTIC LIVER DISEASE; PKD3. Identifiers: MedGen C4540575, MONDO:0033004, OMIM 263200.
Autosomal recessive polycystic kidney disease (ARPKD). Also called: AR polycystic kidney disease. Identifiers: Orphanet 731, Orphanet 8378, MedGen C0085548, MeSH D017044, MONDO:0009889.
PKHD1-related disorder. Also called: PKHD1-related condition.

Allele frequency attached by ClinVar (database versions not stated): gnomAD 0.00001; TOPMed 0.00001; gnomAD exomes 0.00005.
gnomAD v4.1: 73 of 1,613,956 alleles (0.0045%); highest among the groups gnomAD compares: South Asian, 0.057%; no homozygotes.

Submissions (3):

Labcorp Genetics (formerly Invitae), Labcorp
Classification: Likely benign for Autosomal recessive polycystic kidney disease. Last evaluated: 2026-01-25. Review status: criteria provided, single submitter. Criteria: Invitae Variant Classification Sherloc (09022015). Collection method: clinical testing. Allele origin: germline.

Fulgent Genetics
Classification: Uncertain significance for Polycystic kidney disease 4. Last evaluated: 2024-03-14. Review status: criteria provided, single submitter. Criteria: ACMG Guidelines, 2015. Collection method: clinical testing. Allele origin: germline.

PreventionGenetics, part of Exact Sciences
Classification: Uncertain significance for PKHD1-related condition. Last evaluated: 2022-11-14. Review status: criteria provided, single submitter. Criteria: ACMG Guidelines, 2015. Collection method: clinical testing. Allele origin: germline.
Comment: The PKHD1 c.2275G>A variant is predicted to result in the amino acid substitution p.Ala759Thr. To our knowledge, this variant has not been reported in the literature. This variant is reported in 0.069% of alleles in individuals of South Asian descent in gnomAD. Although we suspect that this variant may be benign, at this time, the clinical significance of this variant is uncertain due to the absence of conclusive functional and genetic evidence.